The following is an entry in ClinVar:

NM_004646.4(NPHS1):c.219dup (p.Asp74fs)

Genes: KIRREL2 (kirre like nephrin family adhesion molecule 2; plus strand), NPHS1 (NPHS1 adhesion molecule, nephrin; minus strand). Cytogenetic location: 19q13.12.
Variant type: Duplication.
Coding change: c.219dup on transcript NM_004646.4 (MANE Select); coding-DNA position 219, one base duplicated (C; older notation c.219dupC).
Protein change: p.Asp74fs; shifts the reading frame from aspartic acid 74.
Molecular consequence: frameshift variant.
Genome position (GRCh38, 1-based): chr19:35,851,512, G duplicated on the plus strand (C on the coding strand, the reverse complement: NPHS1 is on the minus strand); the first of 4 consecutive G bases (chr19:35,851,512-35,851,515); duplicating any one gives the same sequence. VCF-style (leftmost placement, unchanged base first): chr19-35851511-C-CG. GRCh37 (hg19) VCF-style: chr19-36342413-C-CG.
Other names: short protein forms D74fs.
Identifiers: ClinVar variation 5011927 (VCV005011927.1).
Genomic context (GRCh38, chr19:35,851,511, plus strand): 5'-CCTTACCTCTAGCAGGGTCCCCTTCCAGGCGGTACCTCGGGAAGCCTGGGATCCTGGGGT[C>CG]GGGGCCCAGGAGCAGCCCATCTTTGGCCCATTGCACCGCACTGCCAGGGGTGCTGACCCC-3'

ClinVar aggregate classification (germline): Pathogenic (1 of 4 stars; one submission).

Conditions:
Finnish congenital nephrotic syndrome (NPHS1). Also called: NEPHROTIC SYNDROME, TYPE 1. Identifiers: Orphanet 839, MedGen C0403399, MONDO:0009732, OMIM 256300.

Submission:

Myriad Genetics, Inc.
Classification: Pathogenic for Finnish congenital nephrotic syndrome. Last evaluated: 2023-09-27. Review status: criteria provided, single submitter. Criteria: Myriad Autosomal Dominant, Autosomal Recessive and X-Linked Classification Criteria (2023). Collection method: clinical testing. Allele origin: unknown.
Comment: NM_004646.3(NPHS1):c.219dupC(D74Rfs*18) is expected to be pathogenic in the context of nephrotic syndrome, NPHS1-related. This variant is predicted to lead to an abnormal or absent protein product due to the creation of a premature termination codon in NPHS1, a gene where loss-of-function variants are known to be pathogenic. Please note: this variant was assessed in the context of healthy population screening.